The following is an entry in ClinVar:

ClinVar aggregate classification (germline): Uncertain significance. Review status: criteria provided, multiple submitters, no conflicts (2 of 4 stars). 3 submissions from 3 submitters: Uncertain significance (3). Last evaluated 2025-11-12.

Conditions:
Inborn genetic diseases. Identifiers: MedGen C0950123, MeSH D030342.

Allele frequency attached by ClinVar (database versions not stated): gnomAD 0.00001; gnomAD exomes 0.00001 and 0.00003; TOPMed 0.00002.
gnomAD v4.1: 38 of 1,613,952 alleles (0.0024%); highest among the groups gnomAD compares: Admixed American, 0.0067%; no homozygotes.

Submissions (3):

Ambry Genetics
Classification: Uncertain significance for Inborn genetic diseases. Last evaluated: 2025-11-12. Review status: criteria provided, single submitter. Criteria: Ambry Variant Classification Scheme 2023. Collection method: clinical testing. Allele origin: germline.

Labcorp Genetics (formerly Invitae), Labcorp
Classification: Uncertain significance. Last evaluated: 2025-05-12. Review status: criteria provided, single submitter. Criteria: Invitae Variant Classification Sherloc (09022015). Collection method: clinical testing. Allele origin: germline.
Comment: This sequence change replaces arginine, which is basic and polar, with cysteine, which is neutral and slightly polar, at codon 411 of the TRAPPC9 protein (p.Arg411Cys). This variant is present in population databases (rs201224878, gnomAD 0.006%). This variant has not been reported in the literature in individuals affected with TRAPPC9-related conditions. ClinVar contains an entry for this variant (Variation ID: 1336129). An algorithm developed to predict the effect of missense changes on protein structure and function (PolyPhen-2) suggests that this variant is likely to be disruptive. In summary, the available evidence is currently insufficient to determine the role of this variant in disease. Therefore, it has been classified as a Variant of Uncertain Significance.

Genetic Services Laboratory, University of Chicago
Classification: Uncertain significance. Last evaluated: 2017-07-31. Review status: criteria provided, single submitter. Criteria: ACMG Guidelines, 2015. Collection method: clinical testing. Allele origin: germline. Affected: no.

NM_001160372.4(TRAPPC9):c.937C>T (p.Arg313Cys)

Gene: TRAPPC9 (trafficking protein particle complex subunit 9; minus strand). Cytogenetic location: 8q24.3.
Variant type: single nucleotide variant.
Coding change: c.937C>T on transcript NM_001160372.4 (MANE Select); coding-DNA position 937, C replaced by T.
Protein change: p.Arg313Cys; replaces arginine 313 with cysteine.
Molecular consequence: missense variant. On other transcripts: non-coding transcript variant (1).
Genome position (GRCh38, 1-based): chr8:140,405,648, G>A on the plus strand (C>T on the coding strand, the complement: TRAPPC9 is on the minus strand). VCF-style: chr8-140405648-G-A. GRCh37 (hg19) VCF-style: chr8-141415747-G-A.
Other names: c.910C>T, p.Arg304Cys (NM_001321646.2); c.958C>T, p.Arg320Cys (NM_001374682.1); c.937C>T, p.Arg313Cys (NM_001374683.1, NM_001374684.1, NM_031466.8); c.1231C>T (NM_031466.5); short protein forms R304C, R313C, R320C.
Identifiers: ClinVar variation 1336129 (VCV001336129.7), dbSNP rs201224878, ClinGen allele CA186536099.